The following is an entry in ClinVar:

ClinVar aggregate classification (germline): Uncertain significance. Review status: criteria provided, multiple submitters, no conflicts (2 of 4 stars). 3 submissions from 3 submitters: Uncertain significance (2). 1 of the submissions does not count toward it. Last evaluated 2026-02-11.

Conditions:
Medulloblastoma (MDB). Also called: Medulloblastoma, somatic; MEDULLOBLASTOMA PREDISPOSITION SYNDROME. Identifiers: Orphanet 616, MedGen C0025149, MeSH D008527, MONDO:0007959, OMIM 155255, HP:0002885.
Familial dysautonomia. Also called: HSAN III; FD. Identifiers: Orphanet 1764, MedGen C0013364, MONDO:0009131, OMIM 223900. Disease mechanism: loss of function.

Allele frequency attached by ClinVar (database versions not stated): TOPMed below 0.00001; gnomAD 0.00001; gnomAD exomes 0.00001.
gnomAD v4.1: 9 of 1,610,596 alleles (0.00056%); highest among the groups gnomAD compares: African/African-American, 0.0014%; no homozygotes.

Submissions (3):

St. Jude Molecular Pathology, St. Jude Children's Research Hospital
Classification: Uncertain significance for Medulloblastoma. Last evaluated: 2026-02-11. Review status: criteria provided, single submitter. Criteria: St. Jude Assertion Criteria 2020. Collection method: clinical testing. Allele origin: germline.
Comment: The ELP1 c.743C>T p.(Pro248Leu) missense change has a maximum subpopulation frequency of 0.0026% in gnomAD v2.1.1. The in silico tool REVEL predicts a deleterious effect on protein function, but to our knowledge this prediction has not been confirmed by functional studies. To our knowledge, this variant has not been reported in individuals with medulloblastoma or familial dysautonomia. In summary, the evidence currently available is insufficient to determine the clinical signi ficance of this variant. It has therefore been classified as of uncertain significance.

Labcorp Genetics (formerly Invitae), Labcorp
Classification: Uncertain significance. Last evaluated: 2022-03-09. Review status: criteria provided, single submitter. Criteria: Invitae Variant Classification Sherloc (09022015). Collection method: clinical testing. Allele origin: germline.
Comment: This sequence change replaces proline, which is neutral and non-polar, with leucine, which is neutral and non-polar, at codon 248 of the ELP1 protein (p.Pro248Leu). This variant is present in population databases (no rsID available, gnomAD 0.003%). This variant has not been reported in the literature in individuals affected with ELP1-related conditions. ClinVar contains an entry for this variant (Variation ID: 971943). Algorithms developed to predict the effect of missense changes on protein structure and function are either unavailable or do not agree on the potential impact of this missense change (SIFT: "Deleterious"; PolyPhen-2: "Probably Damaging"; Align-GVGD: "Class C0"). Algorithms developed to predict the effect of sequence changes on RNA splicing suggest that this variant may disrupt the consensus splice site. In summary, the available evidence is currently insufficient to determine the role of this variant in disease. Therefore, it has been classified as a Variant of Uncertain Significance.

Natera, Inc.
Classification: Uncertain significance for Familial dysautonomia. Last evaluated: 2020-05-26. Review status: no assertion criteria provided. Collection method: clinical testing. Allele origin: germline. Not counted in ClinVar's aggregate classification.

NM_003640.5(ELP1):c.743C>T (p.Pro248Leu)

Gene: ELP1 (elongator acetyltransferase complex subunit 1; minus strand). Cytogenetic location: 9q31.3.
Variant type: single nucleotide variant.
Coding change: c.743C>T on transcript NM_003640.5 (MANE Select); coding-DNA position 743, C replaced by T.
Protein change: p.Pro248Leu; replaces proline 248 with leucine.
Molecular consequence: missense variant. On other transcripts: 5 prime UTR variant (1).
Genome position (GRCh38, 1-based): chr9:108,917,668, G>A on the plus strand (C>T on the coding strand, the complement: ELP1 is on the minus strand). VCF-style: chr9-108917668-G-A. GRCh37 (hg19) VCF-style: chr9-111679948-G-A.
Other names: c.401C>T, p.Pro134Leu (NM_001318360.2); c.-305C>T (NM_001330749.2); short protein forms P134L, P248L.
Identifiers: ClinVar variation 971943 (VCV000971943.8), dbSNP rs1394468770, ClinGen allele CA374386525.